The following is an entry in ClinVar:

ClinVar aggregate classification (germline): Uncertain significance (1 of 4 stars; one submission).

Allele frequency attached by ClinVar (database versions not stated): gnomAD exomes 0.00001; ExAC 0.00002.
gnomAD v4.1: 15 of 1,614,166 alleles (0.00093%); highest among the groups gnomAD compares: East Asian, 0.025%; no homozygotes.

Submission:

GeneDx
Classification: Uncertain significance. Last evaluated: 2022-09-01. Review status: criteria provided, single submitter. Criteria: GeneDx Variant Classification Process June 2021. Collection method: clinical testing. Allele origin: germline. Affected: yes.
Comment: Not observed at significant frequency in large population cohorts (gnomAD); In silico analysis supports that this missense variant does not alter protein structure/function; Has not been previously published as pathogenic or benign to our knowledge

NM_013352.4(DSE):c.891G>A (p.Met297Ile)

Gene: DSE (dermatan sulfate epimerase; plus strand). Cytogenetic location: 6q22.1.
Variant type: single nucleotide variant.
Coding change: c.891G>A on transcript NM_013352.4 (MANE Select); coding-DNA position 891, G replaced by A.
Protein change: p.Met297Ile; replaces methionine 297 with isoleucine.
Molecular consequence: missense variant. On other transcripts: non-coding transcript variant (1), intron variant (3).
Genome position (GRCh38, 1-based): chr6:116,431,174, G>A. VCF-style: chr6-116431174-G-A. GRCh37 (hg19) VCF-style: chr6-116752337-G-A.
Other names: c.891G>A, p.Met297Ile (NM_001080976.3, NM_001322937.2, NM_001322938.2 and 2 more transcripts); c.948G>A, p.Met316Ile (NM_001322939.2); c.330G>A, p.Met110Ile (NM_001322940.2, NM_001322941.2); c.-90+117G>A (NM_001374520.1); c.83+4347G>A (NM_001374521.1); c.670+4347G>A (NM_001322943.2); short protein forms M110I, M297I, M316I.
Identifiers: ClinVar variation 2442726 (VCV002442726.1), dbSNP rs768909519, ClinGen allele CA3969585.
Genomic context (GRCh38, chr6:116,431,174, plus strand): 5'-GAGGCACTTCAACATCAACCACTTTGGCCATCCGTGGCTTAAACAACACTTTGCATTTAT[G>A]TATAGAACCATCCTGCCAGGTATAGTGAGGAGTCAGAAGTGTGAAAACATTAAACTATTG-3'
Protein context (NP_037484.1, residues 287-307): HPWLKQHFAF[Met297Ile]YRTILPGFQR